The following is an entry in ClinVar:

NM_001039348.3(EFEMP1):c.910C>G (p.Leu304Val)

Gene: EFEMP1 (EGF-like fibulin extracellular matrix protein 1; minus strand). Cytogenetic location: 2p16.1.
Variant type: single nucleotide variant.
Coding change: c.910C>G on transcript NM_001039348.3 (MANE Select); coding-DNA position 910, C replaced by G.
Protein change: p.Leu304Val; replaces leucine 304 with valine.
Molecular consequence: missense variant.
Genome position (GRCh38, 1-based): chr2:55,875,036, G>C on the plus strand (C>G on the coding strand, the complement: EFEMP1 is on the minus strand). VCF-style: chr2-55875036-G-C. GRCh37 (hg19) VCF-style: chr2-56102171-G-C.
Other names: c.910C>G, p.Leu304Val (NM_001039349.3); short protein forms L304V.
Identifiers: ClinVar variation 2866359 (VCV002866359.4), dbSNP rs2465744595, ClinGen allele CA347028756.

ClinVar aggregate classification (germline): Uncertain significance. Review status: criteria provided, multiple submitters, no conflicts (2 of 4 stars). 2 submissions from 2 submitters: Uncertain significance (2). Last evaluated 2023-05-20.

Submissions (2):

Labcorp Genetics (formerly Invitae), Labcorp
Classification: Uncertain significance. Last evaluated: 2023-05-20. Review status: criteria provided, single submitter. Criteria: Invitae Variant Classification Sherloc (09022015). Collection method: clinical testing. Allele origin: germline.
Comment: In summary, the available evidence is currently insufficient to determine the role of this variant in disease. Therefore, it has been classified as a Variant of Uncertain Significance. Advanced modeling of protein sequence and biophysical properties (such as structural, functional, and spatial information, amino acid conservation, physicochemical variation, residue mobility, and thermodynamic stability) performed at Invitae indicates that this missense variant is not expected to disrupt EFEMP1 protein function. This variant has not been reported in the literature in individuals affected with EFEMP1-related conditions. This variant is not present in population databases (gnomAD no frequency). This sequence change replaces leucine, which is neutral and non-polar, with valine, which is neutral and non-polar, at codon 304 of the EFEMP1 protein (p.Leu304Val).

Blueprint Genetics
Classification: Uncertain significance. Last evaluated: 2020-03-19. Review status: criteria provided, single submitter. Criteria: ACMG Guidelines, 2015. Collection method: clinical testing. Allele origin: germline.